The following is an entry in ClinVar:

NM_005996.4(TBX3):c.1776_1793del (p.Ala594_Ala599del)

Gene: TBX3 (T-box transcription factor 3; minus strand). Cytogenetic location: 12q24.21.
Variant type: Deletion.
Coding change: c.1776_1793del on transcript NM_005996.4 (MANE Select); coding-DNA positions 1776 to 1793, 18 bases deleted (GGCCGCCTCCTCTGCGGC).
Protein change: p.Ala594_Ala599del.
Molecular consequence: inframe deletion.
Genome position (GRCh38, 1-based): chr12:114,672,220-114,672,237, GCCGCAGAGGAGGCGGCC deleted on the plus strand (GGCCGCCTCCTCTGCGGC on the coding strand, the reverse complement: TBX3 is on the minus strand); deleting any 18 consecutive bases within chr12:114,672,220-114,672,242 gives the same sequence; the c. name uses the placement nearest the transcript's 3' end. VCF-style (leftmost placement, unchanged base first): chr12-114672219-TGCCGCAGAGGAGGCGGCC-T. GRCh37 (hg19) VCF-style: chr12-115110024-TGCCGCAGAGGAGGCGGCC-T.
Other names: c.1836_1853del, p.Ala614_Ala619del (NM_016569.4).
Identifiers: ClinVar variation 4884128 (VCV004884128.2).

ClinVar aggregate classification (germline): Uncertain significance (1 of 4 stars; one submission).

Submission:

Dasa
Classification: Uncertain significance. Last evaluated: 2025-10-24. Review status: criteria provided, single submitter. Criteria: DASA Assertion Criteria. Collection method: clinical testing. Allele origin: germline.
Comment: NM_005996.4(TBX3):c.1776_1793del (p.Ala594_Ala599del) is an in-frame deletion predicted to remove amino acids from alanine at protein position 594 through alanine at protein position 599 without shifting the reading frame. This variant is absent from population databases. The currently available literature and clinical evidence are not sufficient to establish a definitive association between this variant and the reported condition. Therefore, this variant is classified as a variant of uncertain significance.